The following is an entry in ClinVar:

ClinVar aggregate classification (germline): Conflicting classifications of pathogenicity. Review status: criteria provided, conflicting classifications (1 of 4 stars). 12 submissions from 8 submitters: Uncertain significance (3); Benign (2); Likely benign (7). Last evaluated 2026-06-17.

Conditions:
Cardiovascular phenotype. Identifiers: MedGen CN230736.
Dilated cardiomyopathy 1G (CMD1G). Identifiers: Orphanet 154, MedGen C1858763, MONDO:0011400, OMIM 604145.
Autosomal recessive limb-girdle muscular dystrophy type 2J (LGMDR10). Also called: Limb-girdle muscular dystrophy, type 2J; MUSCULAR DYSTROPHY, LIMB-GIRDLE, AUTOSOMAL RECESSIVE 10. Identifiers: Orphanet 140922, MedGen C1837342, MONDO:0012127, OMIM 608807.
Tibial muscular dystrophy (TMD). Also called: UDD MYOPATHY; Tibial muscular dystrophy, tardive; Udd Distal Myopathy – Tibial Muscular Dystrophy. Identifiers: Orphanet 609, MedGen C1838244, MONDO:0010870, OMIM 600334.
Myopathy, myofibrillar, 9, with early respiratory failure (MFM9). Also called: MYOPATHY, PROXIMAL, WITH EARLY RESPIRATORY MUSCLE INVOLVEMENT; Hereditary myopathy with early respiratory failure; Myopathy, distal, with early respiratory failure, autosomal dominant; EDSTROM MYOPATHY. Identifiers: Orphanet 178464, Orphanet 34521, MedGen C1863599, MONDO:0011362, OMIM 603689.
TTN-related disorder. Also called: TTN-related disorders; TTN-related condition; TTN-related disease.
Early-onset myopathy with fatal cardiomyopathy (CMYO5). Also called: Salih Myopathy; CONGENITAL MYOPATHY 5 WITH CARDIOMYOPATHY. Identifiers: Orphanet 289377, MedGen C2673677, MONDO:0012714, OMIM 611705. Disease mechanism: loss of function.

Allele frequency attached by ClinVar (database versions not stated): gnomAD exomes 0.00001 and 0.00002; ExAC 0.00003; ESP Exome Variant Server 0.00008; gnomAD 0.00009; TOPMed 0.00010; 1000 Genomes Project 30x 0.00016; 1000 Genomes Project 0.00020.
gnomAD v4.1: 35 of 1,612,416 alleles (0.0022%); highest among the groups gnomAD compares: Middle Eastern, 0.12%; no homozygotes.

Submissions (12):

PreventionGenetics, part of Exact Sciences
Classification: Likely benign for TTN-related condition. Last evaluated: 2026-06-17. Review status: criteria provided, single submitter. Criteria: ACMG Guidelines, 2015. Collection method: clinical testing. Allele origin: germline.
Comment: This variant is classified as likely benign based on ACMG/AMP sequence variant interpretation guidelines (Richards et al. 2015 PMID: 25741868, with internal and published modifications).

Labcorp Genetics (formerly Invitae), Labcorp
Classification: Likely benign for Dilated cardiomyopathy 1G; Autosomal recessive limb-girdle muscular dystrophy type 2J. Last evaluated: 2026-01-11. Review status: criteria provided, single submitter. Criteria: Invitae Variant Classification Sherloc (09022015). Collection method: clinical testing. Allele origin: germline.

Women's Health and Genetics/Laboratory Corporation of America, LabCorp
Classification: Likely benign. Last evaluated: 2025-07-16. Review status: criteria provided, single submitter. Criteria: LabCorp Variant Classification Summary - May 2015. Collection method: clinical testing. Allele origin: germline.

Molecular Diagnostic Laboratory for Inherited Cardiovascular Disease, Montreal Heart Institute
Classification: Likely benign. Last evaluated: 2025-04-09. Review status: criteria provided, single submitter. Criteria: ACMG Guidelines, 2015. Collection method: clinical testing. Allele origin: germline. Affected: no.

Ambry Genetics
Classification: Likely benign for Cardiovascular phenotype. Last evaluated: 2020-01-22. Review status: criteria provided, single submitter. Criteria: Ambry Variant Classification Scheme 2023. Collection method: clinical testing. Allele origin: germline.

Blueprint Genetics
Classification: Likely benign. Last evaluated: 2019-11-15. Review status: criteria provided, single submitter. Criteria: ACMG Guidelines, 2015. Collection method: clinical testing. Allele origin: germline.

GeneDx
Classification: Likely benign. Last evaluated: 2018-08-06. Review status: criteria provided, single submitter. Criteria: GeneDx Variant Classification Process June 2021. Collection method: clinical testing. Allele origin: germline. Affected: yes.

Illumina Laboratory Services, Illumina
Classification: Uncertain significance for Dilated cardiomyopathy 1G. Last evaluated: 2018-01-12. Review status: criteria provided, single submitter. Criteria: ICSL Variant Classification Criteria 13 December 2019. Collection method: clinical testing. Allele origin: germline.

Illumina Laboratory Services, Illumina
Classification: Benign for Myopathy, myofibrillar, 9, with early respiratory failure. Last evaluated: 2018-01-12. Review status: criteria provided, single submitter. Criteria: ICSL Variant Classification Criteria 13 December 2019. Collection method: clinical testing. Allele origin: germline.
Comment: This variant was observed in the ICSL laboratory as part of a predisposition screen in an ostensibly healthy population. It had not been previously curated by ICSL or reported in the Human Gene Mutation Database (HGMD: prior to June 1st, 2018), and was therefore a candidate for classification through an automated scoring system. Utilizing variant allele frequency, disease prevalence and penetrance estimates, and inheritance mode, an automated score was calculated to assess if this variant is too frequent to cause the disease. Based on the score and internal cut-off values, a variant classified as benign is not then subjected to further curation. The score for this variant resulted in a classification of benign for this disease.

Illumina Laboratory Services, Illumina
Classification: Uncertain significance for Autosomal recessive limb-girdle muscular dystrophy type 2J. Last evaluated: 2018-01-12. Review status: criteria provided, single submitter. Criteria: ICSL Variant Classification Criteria 13 December 2019. Collection method: clinical testing. Allele origin: germline.

Illumina Laboratory Services, Illumina
Classification: Uncertain significance for Early-onset myopathy with fatal cardiomyopathy. Last evaluated: 2018-01-12. Review status: criteria provided, single submitter. Criteria: ICSL Variant Classification Criteria 13 December 2019. Collection method: clinical testing. Allele origin: germline.

Illumina Laboratory Services, Illumina
Classification: Benign for Tibial muscular dystrophy. Last evaluated: 2018-01-12. Review status: criteria provided, single submitter. Criteria: ICSL Variant Classification Criteria 13 December 2019. Collection method: clinical testing. Allele origin: germline.
Comment: the same text as in the submission from Illumina Laboratory Services, Illumina above.

NM_001267550.2(TTN):c.65499A>G (p.Arg21833=)

Genes: TTN (titin; minus strand), TTN-AS1 (TTN antisense RNA 1; plus strand). Cytogenetic location: 2q31.2.
Variant type: single nucleotide variant.
Coding change: c.65499A>G on transcript NM_001267550.2 (MANE Select); coding-DNA position 65499, A replaced by G.
Protein change: p.Arg21833=; no amino-acid change (arginine 21833 retained).
Molecular consequence: synonymous variant. On other transcripts: non-coding transcript variant (1).
Genome position (GRCh38, 1-based): chr2:178,583,683, T>C on the plus strand (A>G on the coding strand, the complement: TTN is on the minus strand). VCF-style: chr2-178583683-T-C. GRCh37 (hg19) VCF-style: chr2-179448410-T-C.
Other names: c.60576A>G, p.Arg20192= (NM_001256850.1); c.38304A>G, p.Arg12768= (NM_003319.4); c.57795A>G, p.Arg19265= (NM_133378.4); c.38679A>G, p.Arg12893= (NM_133432.3); c.38880A>G, p.Arg12960= (NM_133437.4).
Identifiers: ClinVar variation 332804 (VCV000332804.24), dbSNP rs369255906, ClinGen allele CA1991693.